The following is an entry in ClinVar:

ClinVar aggregate classification (germline): Uncertain significance (1 of 4 stars; one submission).

Conditions:
Inborn genetic diseases. Identifiers: MedGen C0950123, MeSH D030342.

gnomAD v4.1: 4 of 1,512,060 alleles (0.00026%); highest among the groups gnomAD compares: Non-Finnish European, 0.00035%; no homozygotes.

Submission:

Ambry Genetics
Classification: Uncertain significance for Inborn genetic diseases. Last evaluated: 2025-08-03. Review status: criteria provided, single submitter. Criteria: Ambry Variant Classification Scheme 2023. Collection method: clinical testing. Allele origin: germline.
Comment: The p.R19G variant (also known as c.55C>G), located in coding exon 1 of the FANCA gene, results from a C to G substitution at nucleotide position 55. The arginine at codon 19 is replaced by glycine, an amino acid with dissimilar properties. This amino acid position is conserved. In addition, the in silico prediction for this alteration is inconclusive. Based on the available evidence, the clinical significance of this variant remains unclear.

NM_000135.4(FANCA):c.55C>G (p.Arg19Gly)

Genes: FANCA (FA complementation group A; minus strand), LOC112486223 (Sharpr-MPRA regulatory region 3988; plus strand). Cytogenetic location: 16q24.3.
Variant type: single nucleotide variant.
Coding change: c.55C>G on transcript NM_000135.4 (MANE Select); coding-DNA position 55, C replaced by G.
Protein change: p.Arg19Gly; replaces arginine 19 with glycine.
Molecular consequence: missense variant.
Genome position (GRCh38, 1-based): chr16:89,816,561, G>C on the plus strand (C>G on the coding strand, the complement: FANCA is on the minus strand). VCF-style: chr16-89816561-G-C. GRCh37 (hg19) VCF-style: chr16-89882969-G-C.
Other names: c.55C>G, p.Arg19Gly (NM_001018112.3, NM_001286167.3, NM_001351830.2); short protein forms R19G.
Identifiers: ClinVar variation 4254254 (VCV004254254.1).